The following is an entry in ClinVar:

ClinVar aggregate classification (germline): Uncertain significance (0 of 4 stars; one submission).

Conditions:
CREBBP-related disorder. Also called: CREBBP-related condition; CREBBP-related disorders.

Allele frequency attached by ClinVar (database versions not stated): gnomAD exomes below 0.00001.
gnomAD v4.1: 1 of 1,614,076 alleles (0.000062%); highest among the groups gnomAD compares: Non-Finnish European, 0.000085%; no homozygotes.

Submission:

PreventionGenetics, part of Exact Sciences
Classification: Uncertain significance for CREBBP-related condition. Last evaluated: 2024-02-12. Review status: no assertion criteria provided. Collection method: clinical testing. Allele origin: germline.
Comment: The CREBBP c.1477A>G variant is predicted to result in the amino acid substitution p.Met493Val. To our knowledge, this variant has not been reported in the literature or in a large population database, indicating this variant is rare. At this time, the clinical significance of this variant is uncertain due to the absence of conclusive functional and genetic evidence.

NM_004380.3(CREBBP):c.1477A>G (p.Met493Val)

Gene: CREBBP (CREB binding lysine acetyltransferase; minus strand). Cytogenetic location: 16p13.3.
Variant type: single nucleotide variant.
Coding change: c.1477A>G on transcript NM_004380.3 (MANE Select); coding-DNA position 1477, A replaced by G.
Protein change: p.Met493Val; replaces methionine 493 with valine.
Molecular consequence: missense variant.
Genome position (GRCh38, 1-based): chr16:3,782,780, T>C on the plus strand (A>G on the coding strand, the complement: CREBBP is on the minus strand). VCF-style: chr16-3782780-T-C. GRCh37 (hg19) VCF-style: chr16-3832781-T-C.
Other names: c.1363A>G, p.Met455Val (NM_001079846.1); short protein forms M455V, M493V.
Identifiers: ClinVar variation 2634232 (VCV002634232.3), dbSNP rs2548443774, ClinGen allele CA394557550.